The following is an entry in ClinVar:

ClinVar aggregate classification (germline): Conflicting classifications of pathogenicity. Review status: criteria provided, conflicting classifications (1 of 4 stars). 9 submissions from 7 submitters: Uncertain significance (3); Likely benign (6). Last evaluated 2025-09-02.

Conditions:
Cardiovascular phenotype. Identifiers: MedGen CN230736.
Infantile cortical hyperostosis. Also called: Hyperostosis, Cortical, Congenital; Caffey Disease; P1PK BLOOD GROUP SYSTEM, P(2) PHENOTYPE. Identifiers: Orphanet 1310, MedGen C0020497, MONDO:0007244, OMIM 114000.
Osteogenesis imperfecta type I (OI1). Also called: OI, TYPE I; OSTEOGENESIS IMPERFECTA TARDA; OSTEOGENESIS IMPERFECTA WITH BLUE SCLERAE; Lobstein's Disease; Osteogenesis imperfecta type 1; Lobstein disease. Identifiers: Orphanet 216796, Orphanet 666, MedGen C0023931, MONDO:0008146, OMIM 166200. Disease mechanism: loss of function.
Osteogenesis imperfecta (OI). Identifiers: Orphanet 666, MedGen C0029434, MeSH D010013, MONDO:0019019.
Ehlers-Danlos syndrome, arthrochalasia type. Also called: Ehlers-Danlos syndrome, arthrochalasis type; ARTHROCHALASIS MULTIPLEX CONGENITA; EDS VII, MUTANT PROCOLLAGEN TYPE; EDS VIIA; Ehlers-Danlos syndrome, arthrochalasia type, 1. Identifiers: Orphanet 1899, Orphanet 99875, Orphanet 99876, MedGen C4551623, MONDO:0007525, OMIM 130060.
COL1A1-related disorder. Also called: COL1A1-related condition; COL1A1- related disease.

Allele frequency attached by ClinVar (database versions not stated): ExAC 0.00001; gnomAD exomes 0.00003 and 0.00004; TOPMed 0.00004; gnomAD 0.00013.
gnomAD v4.1: 66 of 1,613,822 alleles (0.0041%); highest among the groups gnomAD compares: Non-Finnish European, 0.0041%; no homozygotes.

Submissions (9):

Labcorp Genetics (formerly Invitae), Labcorp
Classification: Likely benign for Osteogenesis imperfecta type I. Last evaluated: 2025-09-02. Review status: criteria provided, single submitter. Criteria: Invitae Variant Classification Sherloc (09022015). Collection method: clinical testing. Allele origin: germline.

Women's Health and Genetics/Laboratory Corporation of America, LabCorp
Classification: Likely benign. Last evaluated: 2025-07-18. Review status: criteria provided, single submitter. Criteria: LabCorp Variant Classification Summary - May 2015. Collection method: clinical testing. Allele origin: germline.

PreventionGenetics, part of Exact Sciences
Classification: Likely benign for COL1A1-related condition. Last evaluated: 2025-04-17. Review status: criteria provided, single submitter. Criteria: ACMG Guidelines, 2015. Collection method: clinical testing. Allele origin: germline.
Comment: This variant is classified as likely benign based on ACMG/AMP sequence variant interpretation guidelines (Richards et al. 2015 PMID: 25741868, with internal and published modifications).

Blueprint Genetics
Classification: Likely benign. Last evaluated: 2024-10-18. Review status: criteria provided, single submitter. Criteria: ACMG Guidelines, 2015. Collection method: clinical testing. Allele origin: germline.

Ambry Genetics
Classification: Likely benign for Cardiovascular phenotype. Last evaluated: 2019-09-13. Review status: criteria provided, single submitter. Criteria: Ambry Variant Classification Scheme 2023. Collection method: clinical testing. Allele origin: germline.

Illumina Laboratory Services, Illumina
Classification: Uncertain significance for Osteogenesis imperfecta. Last evaluated: 2018-01-12. Review status: criteria provided, single submitter. Criteria: ICSL Variant Classification Criteria 13 December 2019. Collection method: clinical testing. Allele origin: germline.

Illumina Laboratory Services, Illumina
Classification: Uncertain significance for Ehlers-Danlos syndrome, arthrochalasia type. Last evaluated: 2018-01-12. Review status: criteria provided, single submitter. Criteria: ICSL Variant Classification Criteria 13 December 2019. Collection method: clinical testing. Allele origin: germline.

Illumina Laboratory Services, Illumina
Classification: Uncertain significance for Infantile cortical hyperostosis. Last evaluated: 2018-01-12. Review status: criteria provided, single submitter. Criteria: ICSL Variant Classification Criteria 13 December 2019. Collection method: clinical testing. Allele origin: germline.

GeneDx
Classification: Likely benign. Last evaluated: 2017-06-28. Review status: criteria provided, single submitter. Criteria: GeneDx Variant Classification (06012015). Collection method: clinical testing. Allele origin: germline. Affected: yes.
Comment: This variant is considered likely benign or benign based on one or more of the following criteria: it is a conservative change, it occurs at a poorly conserved position in the protein, it is predicted to be benign by multiple in silico algorithms, and/or has population frequency not consistent with disease.

NM_000088.4(COL1A1):c.1233C>T (p.Phe411=)

Gene: COL1A1 (collagen type I alpha 1 chain; minus strand). Cytogenetic location: 17q21.33.
Variant type: single nucleotide variant.
Coding change: c.1233C>T on transcript NM_000088.4 (MANE Select); coding-DNA position 1233, C replaced by T.
Protein change: p.Phe411=; no amino-acid change (phenylalanine 411 retained).
Molecular consequence: synonymous variant.
Genome position (GRCh38, 1-based): chr17:50,195,298, G>A on the plus strand (C>T on the coding strand, the complement: COL1A1 is on the minus strand). VCF-style: chr17-50195298-G-A. GRCh37 (hg19) VCF-style: chr17-48272659-G-A.
Identifiers: ClinVar variation 324113 (VCV000324113.19), dbSNP rs776387246, ClinGen allele CA8645341.